The following is an entry in ClinVar:

ClinVar aggregate classification (germline): Uncertain significance (1 of 4 stars; one submission).

Allele frequency attached by ClinVar (database versions not stated): gnomAD exomes below 0.00001; ExAC 0.00001; 1000 Genomes Project 0.00020; 1000 Genomes Project 30x 0.00031.
gnomAD v4.1: 5 of 1,613,460 alleles (0.00031%); highest among the groups gnomAD compares: South Asian, 0.0022%; no homozygotes.

Submission:

Labcorp Genetics (formerly Invitae), Labcorp
Classification: Uncertain significance. Last evaluated: 2024-06-28. Review status: criteria provided, single submitter. Criteria: Invitae Variant Classification Sherloc (09022015). Collection method: clinical testing. Allele origin: germline.
Comment: This sequence change replaces alanine, which is neutral and non-polar, with valine, which is neutral and non-polar, at codon 156 of the VCAN protein (p.Ala156Val). This variant is present in population databases (rs556429445, gnomAD 0.003%). This variant has not been reported in the literature in individuals affected with VCAN-related conditions. ClinVar contains an entry for this variant (Variation ID: 1957178). An algorithm developed to predict the effect of missense changes on protein structure and function (PolyPhen-2) suggests that this variant is likely to be disruptive. In summary, the available evidence is currently insufficient to determine the role of this variant in disease. Therefore, it has been classified as a Variant of Uncertain Significance.

NM_004385.5(VCAN):c.467C>T (p.Ala156Val)

Gene: VCAN (versican; plus strand). Cytogenetic location: 5q14.2.
Variant type: single nucleotide variant.
Coding change: c.467C>T on transcript NM_004385.5 (MANE Select); coding-DNA position 467, C replaced by T.
Protein change: p.Ala156Val; replaces alanine 156 with valine.
Molecular consequence: missense variant.
Genome position (GRCh38, 1-based): chr5:83,493,567, C>T. VCF-style: chr5-83493567-C-T. GRCh37 (hg19) VCF-style: chr5-82789386-C-T.
Other names: c.467C>T, p.Ala156Val (NM_001126336.3, NM_001164097.2, NM_001164098.2); short protein forms A156V.
Identifiers: ClinVar variation 1957178 (VCV001957178.5), dbSNP rs556429445, ClinGen allele CA3332467.